The following is an entry in ClinVar:

NM_003000.3(SDHB):c.200+8T>C

Gene: SDHB (succinate dehydrogenase complex iron sulfur subunit B; minus strand). Cytogenetic location: 1p36.13.
Variant type: single nucleotide variant.
Coding change: c.200+8T>C on transcript NM_003000.3 (MANE Select); 8 bases into the intron after coding-DNA position 200, T replaced by C.
Molecular consequence: intron variant.
Genome position (GRCh38, 1-based): chr1:17,044,753, A>G on the plus strand (T>C on the coding strand, the complement: SDHB is on the minus strand). VCF-style: chr1-17044753-A-G. GRCh37 (hg19) VCF-style: chr1-17371248-A-G.
Other names: c.200+8T>C (NM_001407361.1).
Identifiers: ClinVar variation 3029005 (VCV003029005.2), dbSNP rs2525059391, ClinGen allele CA2740090604.

ClinVar aggregate classification (germline): Likely benign (0 of 4 stars; one submission).

Conditions:
SDHB-related disorder. Also called: SDHB-related disorders; SDHB-related condition. Identifiers: MedGen CN239418.

Submission:

PreventionGenetics, part of Exact Sciences
Classification: Likely benign for SDHB-related condition. Last evaluated: 2021-12-17. Review status: no assertion criteria provided. Collection method: clinical testing. Allele origin: germline.
Comment: This variant is classified as likely benign based on ACMG/AMP sequence variant interpretation guidelines (Richards et al. 2015 PMID: 25741868, with internal and published modifications).